The following is an entry in ClinVar:

NM_000535.7(PMS2):c.2552G>C (p.Arg851Thr)

Gene: PMS2 (PMS1 homolog 2, mismatch repair system component; minus strand). Cytogenetic location: 7p22.1.
Variant type: single nucleotide variant.
Coding change: c.2552G>C on transcript NM_000535.7 (MANE Select); coding-DNA position 2552, G replaced by C.
Protein change: p.Arg851Thr; replaces arginine 851 with threonine.
Molecular consequence: missense variant. On other transcripts: non-coding transcript variant (1).
Genome position (GRCh38, 1-based): chr7:5,973,436, C>G on the plus strand (G>C on the coding strand, the complement: PMS2 is on the minus strand). VCF-style: chr7-5973436-C-G. GRCh37 (hg19) VCF-style: chr7-6013067-C-G.
Other names: c.2147G>C, p.Arg716Thr (NM_001322003.2, NM_001322004.2, NM_001322005.2); c.2396G>C, p.Arg799Thr (NM_001322006.2); c.2234G>C, p.Arg745Thr (NM_001322007.2, NM_001322008.2); c.2180G>C, p.Arg727Thr (NM_001322009.2); c.1991G>C, p.Arg664Thr (NM_001322010.2); c.1619G>C, p.Arg540Thr (NM_001322011.2, NM_001322012.2); c.1979G>C, p.Arg660Thr (NM_001322013.2); c.2585G>C, p.Arg862Thr (NM_001322014.2); and 2 more; short protein forms R540T, R664T, R745T, R862T, R660T, R727T, R799T, R716T.
Identifiers: ClinVar variation 1504086 (VCV001504086.7), dbSNP rs2128657167, ClinGen allele CA366734809.

ClinVar aggregate classification (germline): Uncertain significance. Review status: criteria provided, multiple submitters, no conflicts (2 of 4 stars). 2 submissions from 2 submitters: Uncertain significance (2). Last evaluated 2025-07-13.

Conditions:
Hereditary nonpolyposis colorectal neoplasms. Identifiers: MedGen C0009405, MeSH D003123.
Hereditary cancer-predisposing syndrome. Also called: Hereditary neoplastic syndrome; Tumor predisposition; Neoplastic Syndromes, Hereditary; Hereditary Cancer Syndrome. Identifiers: Orphanet 140162, MedGen C0027672, MeSH D009386, MONDO:0015356.

Submissions (2):

Labcorp Genetics (formerly Invitae), Labcorp
Classification: Uncertain significance for Hereditary nonpolyposis colorectal neoplasms. Last evaluated: 2025-07-13. Review status: criteria provided, single submitter. Criteria: Invitae Variant Classification Sherloc (09022015). Collection method: clinical testing. Allele origin: germline.
Comment: This sequence change replaces arginine, which is basic and polar, with threonine, which is neutral and polar, at codon 851 of the PMS2 protein (p.Arg851Thr). The frequency data for this variant in the population databases (gnomAD) is considered unreliable due to the presence of homologous sequence, such as pseudogenes or paralogs, in the genome. This variant has not been reported in the literature in individuals affected with PMS2-related conditions. ClinVar contains an entry for this variant (Variation ID: 1504086). Invitae Evidence Modeling incorporating data from in vitro experimental studies (internal data) indicates that this missense variant is not expected to disrupt PMS2 function with a negative predictive value of 95%. In summary, the available evidence is currently insufficient to determine the role of this variant in disease. Therefore, it has been classified as a Variant of Uncertain Significance.

Ambry Genetics
Classification: Uncertain significance for Hereditary cancer-predisposing syndrome. Last evaluated: 2023-07-24. Review status: criteria provided, single submitter. Criteria: Ambry Variant Classification Scheme 2023. Collection method: clinical testing. Allele origin: germline.
Comment: The p.R851T variant (also known as c.2552G>C), located in coding exon 15 of the PMS2 gene, results from a G to C substitution at nucleotide position 2552. The arginine at codon 851 is replaced by threonine, an amino acid with similar properties. This amino acid position is conserved. In addition, this alteration is predicted to be deleterious by in silico analysis. Since supporting evidence is limited at this time, the clinical significance of this alteration remains unclear.